The following is an entry in ClinVar:

NM_021098.3(CACNA1H):c.4574A>G (p.Gln1525Arg)

Gene: CACNA1H (calcium voltage-gated channel subunit alpha1 H; plus strand). Cytogenetic location: 16p13.3.
Variant type: single nucleotide variant.
Coding change: c.4574A>G on transcript NM_021098.3 (MANE Select); coding-DNA position 4574, A replaced by G.
Protein change: p.Gln1525Arg; replaces glutamine 1525 with arginine.
Molecular consequence: missense variant.
Genome position (GRCh38, 1-based): chr16:1,211,953, A>G. VCF-style: chr16-1211953-A-G. GRCh37 (hg19) VCF-style: chr16-1261953-A-G.
Other names: c.4574A>G, p.Gln1525Arg (NM_001005407.2); short protein forms Q1525R.
Identifiers: ClinVar variation 3748441 (VCV003748441.2).

ClinVar aggregate classification (germline): Uncertain significance (1 of 4 stars; one submission).

Conditions:
Idiopathic generalized epilepsy. Also called: Generalised epilepsy; EIG. Identifiers: MedGen C0270850, MONDO:0005579, OMIM 600669.
Hyperaldosteronism, familial, type IV (HALD4). Also called: FH IV; ALDOSTERONISM, PRIMARY, AND HYPERTENSION. Identifiers: Orphanet 642671, MedGen C4310756, MONDO:0014875, OMIM 617027.

gnomAD v4.1: 1 of 1,613,424 alleles (0.000062%); highest among the groups gnomAD compares: Non-Finnish European, 0.000085%; no homozygotes.

Submission:

Labcorp Genetics (formerly Invitae), Labcorp
Classification: Uncertain significance for Idiopathic generalized epilepsy; Hyperaldosteronism, familial, type IV. Last evaluated: 2024-03-17. Review status: criteria provided, single submitter. Criteria: Invitae Variant Classification Sherloc (09022015). Collection method: clinical testing. Allele origin: germline.
Comment: This sequence change replaces glutamine, which is neutral and polar, with arginine, which is basic and polar, at codon 1525 of the CACNA1H protein (p.Gln1525Arg). This variant is not present in population databases (gnomAD no frequency). This variant has not been reported in the literature in individuals affected with CACNA1H-related conditions. Advanced modeling of protein sequence and biophysical properties (such as structural, functional, and spatial information, amino acid conservation, physicochemical variation, residue mobility, and thermodynamic stability) performed at Invitae indicates that this missense variant is not expected to disrupt CACNA1H protein function with a negative predictive value of 80%. In summary, the available evidence is currently insufficient to determine the role of this variant in disease. Therefore, it has been classified as a Variant of Uncertain Significance.